The following is an entry in ClinVar:

NM_001386298.1(CIC):c.6067G>A (p.Ala2023Thr)

Gene: CIC (capicua transcriptional repressor; plus strand). Cytogenetic location: 19q13.2.
Variant type: single nucleotide variant.
Coding change: c.6067G>A on transcript NM_001386298.1 (MANE Select); coding-DNA position 6067, G replaced by A.
Protein change: p.Ala2023Thr; replaces alanine 2023 with threonine.
Molecular consequence: missense variant.
Genome position (GRCh38, 1-based): chr19:42,292,730, G>A. VCF-style: chr19-42292730-G-A. GRCh37 (hg19) VCF-style: chr19-42796882-G-A.
Other names: c.6067G>A, p.Ala2023Thr (NM_001439188.1, NM_001439183.1, NM_001439184.1 and 6 more transcripts); c.3340G>A, p.Ala1114Thr (NM_001439189.1, NM_001439190.1, NM_015125.5 and 2 more transcripts); c.3337G>A, p.Ala1113Thr (NM_001439191.1); short protein forms A1113T, A1114T, A2023T.
Identifiers: ClinVar variation 5020895 (VCV005020895.1).
Genomic context (GRCh38, chr19:42,292,730, plus strand): 5'-GCATTTTACTCTGGCAGCCCTGCACCCACCTCCTCAGCACCCCTGGCCCAGCCATCCCAG[G>A]CCCCCCCAAGCCTGGTCTACACTGTGGCCACCAGCACAACCCCACCTGCAGCCACCATTC-3'
Protein context (NP_001373227.1, residues 2013-2033): SSAPLAQPSQ[Ala2023Thr]PPSLVYTVAT

ClinVar aggregate classification (germline): Uncertain significance (1 of 4 stars; one submission).

Submission:

Dasa
Classification: Uncertain significance. Last evaluated: 2025-08-08. Review status: criteria provided, single submitter. Criteria: DASA Assertion Criteria. Collection method: clinical testing. Allele origin: germline.
Comment: NM_001386298.1(CIC):c.6067G>A (p.Ala2023Thr) is a missense variant that results in the substitution of alanine with threonine. This variant is absent from population databases. Computational prediction algorithms are consistent with a benign effect. The currently available literature and clinical evidence are not sufficient to establish a definitive association between this variant and the reported condition. Therefore, this variant is classified as a variant of uncertain significance.